The following is an entry in ClinVar:

NM_015330.6(SPECC1L):c.1579A>T (p.Asn527Tyr)

Genes: SPECC1L (sperm antigen with calponin homology and coiled-coil domains 1 like; plus strand), SPECC1L-ADORA2A (SPECC1L-ADORA2A readthrough (NMD candidate); plus strand). Cytogenetic location: 22q11.23.
Variant type: single nucleotide variant.
Coding change: c.1579A>T on transcript NM_015330.6 (MANE Select); coding-DNA position 1579, A replaced by T.
Protein change: p.Asn527Tyr; replaces asparagine 527 with tyrosine.
Molecular consequence: missense variant. On other transcripts: non-coding transcript variant (1).
Genome position (GRCh38, 1-based): chr22:24,322,559, A>T. VCF-style: chr22-24322559-A-T. GRCh37 (hg19) VCF-style: chr22-24718527-A-T.
Other names: c.1579A>T, p.Asn527Tyr (NM_001145468.4, NM_001254732.3); short protein forms N527Y.
Identifiers: ClinVar variation 2100888 (VCV002100888.4), dbSNP rs2517653442, ClinGen allele CA410969943.
Genomic context (GRCh38, chr22:24,322,559, plus strand): 5'-GAGCAGCTTCTTGGTGTCCAGCAGCATTTAAGCAATACTTTGAAAATGGCAGAACAAGAC[A>T]ATAAGGAAGCTCAAGAAATGATAGGGGCACTCAAAGAACGCAGTCACCATATGGAGCGAA-3'
Protein context (NP_056145.5, residues 517-537): SNTLKMAEQD[Asn527Tyr]KEAQEMIGAL

ClinVar aggregate classification (germline): Uncertain significance (1 of 4 stars; one submission).

Allele frequency attached by ClinVar (database versions not stated): gnomAD exomes below 0.00001.
gnomAD v4.1: 1 of 1,614,202 alleles (0.000062%); highest among the groups gnomAD compares: Non-Finnish European, 0.000085%; no homozygotes.

Submission:

Labcorp Genetics (formerly Invitae), Labcorp
Classification: Uncertain significance. Last evaluated: 2022-02-21. Review status: criteria provided, single submitter. Criteria: Invitae Variant Classification Sherloc (09022015). Collection method: clinical testing. Allele origin: germline.
Comment: This variant has not been reported in the literature in individuals affected with SPECC1L-related conditions. This sequence change replaces asparagine, which is neutral and polar, with tyrosine, which is neutral and polar, at codon 527 of the SPECC1L protein (p.Asn527Tyr). This variant is not present in population databases (gnomAD no frequency). Algorithms developed to predict the effect of missense changes on protein structure and function are either unavailable or do not agree on the potential impact of this missense change (SIFT: "Tolerated"; PolyPhen-2: "Possibly Damaging"; Align-GVGD: "Class C15"). In summary, the available evidence is currently insufficient to determine the role of this variant in disease. Therefore, it has been classified as a Variant of Uncertain Significance.